The following is an entry in ClinVar:

ClinVar aggregate classification (germline): Uncertain significance. Review status: criteria provided, multiple submitters, no conflicts (2 of 4 stars). 2 submissions from 2 submitters: Uncertain significance (2). Last evaluated 2025-11-19.

Conditions:
Autosomal recessive limb-girdle muscular dystrophy type R18 (LGMDR18). Also called: Limb-girdle muscular dystrophy, type 2S; MUSCULAR DYSTROPHY, LIMB-GIRDLE, AUTOSOMAL RECESSIVE 18; Autosomal recessive limb-girdle muscular dystrophy type 2S. Identifiers: Orphanet 369840, MedGen C4517996, MONDO:0014144, OMIM 615356.
Inborn genetic diseases. Identifiers: MedGen C0950123, MeSH D030342.

Allele frequency attached by ClinVar (database versions not stated): gnomAD 0.00001; gnomAD exomes 0.00003 and 0.00007; TOPMed 0.00003; ExAC 0.00007.
gnomAD v4.1: 17 of 1,602,352 alleles (0.0011%); highest among the groups gnomAD compares: Admixed American, 0.027%; no homozygotes.

Submissions (2):

Ambry Genetics
Classification: Uncertain significance for Inborn genetic diseases. Last evaluated: 2025-11-19. Review status: criteria provided, single submitter. Criteria: Ambry Variant Classification Scheme 2023. Collection method: clinical testing. Allele origin: germline.

Labcorp Genetics (formerly Invitae), Labcorp
Classification: Uncertain significance for Autosomal recessive limb-girdle muscular dystrophy type R18. Last evaluated: 2024-12-16. Review status: criteria provided, single submitter. Criteria: Invitae Variant Classification Sherloc (09022015). Collection method: clinical testing. Allele origin: germline.
Comment: This sequence change replaces valine, which is neutral and non-polar, with isoleucine, which is neutral and non-polar, at codon 1001 of the TRAPPC11 protein (p.Val1001Ile). This variant is present in population databases (rs758522491, gnomAD 0.05%). This variant has not been reported in the literature in individuals affected with TRAPPC11-related conditions. ClinVar contains an entry for this variant (Variation ID: 1369434). Invitae Evidence Modeling of protein sequence and biophysical properties (such as structural, functional, and spatial information, amino acid conservation, physicochemical variation, residue mobility, and thermodynamic stability) indicates that this missense variant is not expected to disrupt TRAPPC11 protein function with a negative predictive value of 80%. In summary, the available evidence is currently insufficient to determine the role of this variant in disease. Therefore, it has been classified as a Variant of Uncertain Significance.

NM_021942.6(TRAPPC11):c.3001G>A (p.Val1001Ile)

Gene: TRAPPC11 (trafficking protein particle complex subunit 11; plus strand). Cytogenetic location: 4q35.1.
Variant type: single nucleotide variant.
Coding change: c.3001G>A on transcript NM_021942.6 (MANE Select); coding-DNA position 3001, G replaced by A.
Protein change: p.Val1001Ile; replaces valine 1001 with isoleucine.
Molecular consequence: missense variant.
Genome position (GRCh38, 1-based): chr4:183,705,016, G>A. VCF-style: chr4-183705016-G-A. GRCh37 (hg19) VCF-style: chr4-184626169-G-A.
Other names: c.3001G>A, p.Val1001Ile (NM_199053.3); c.3001G>A (NM_021942.4); short protein forms V1001I.
Identifiers: ClinVar variation 1369434 (VCV001369434.8), dbSNP rs758522491, ClinGen allele CA3152407.